The following is an entry in ClinVar:

ClinVar aggregate classification (germline): Pathogenic (1 of 4 stars; one submission).

Conditions:
Congenital glucose-galactose malabsorption (GGM). Also called: MONOSACCHARIDE MALABSORPTION; DIARRHEA 16. Identifiers: Orphanet 35710, MedGen C0268186, MONDO:0011731, OMIM 606824.

Submission:

Labcorp Genetics (formerly Invitae), Labcorp
Classification: Pathogenic for Congenital glucose-galactose malabsorption. Last evaluated: 2024-08-05. Review status: criteria provided, single submitter. Criteria: Invitae Variant Classification Sherloc (09022015). Collection method: clinical testing. Allele origin: germline.
Comment: This sequence change creates a premature translational stop signal (p.Ser384*) in the SLC5A1 gene. It is expected to result in an absent or disrupted protein product. Loss-of-function variants in SLC5A1 are known to be pathogenic (PMID: 8563765). This variant is not present in population databases (gnomAD no frequency). This variant has not been reported in the literature in individuals affected with SLC5A1-related conditions. For these reasons, this variant has been classified as Pathogenic.

Literature cited by the submitters: PubMed 8563765.

NM_000343.4(SLC5A1):c.1151C>G (p.Ser384Ter)

Gene: SLC5A1 (solute carrier family 5 member 1; plus strand). Cytogenetic location: 22q12.3.
Variant type: single nucleotide variant.
Coding change: c.1151C>G on transcript NM_000343.4 (MANE Select); coding-DNA position 1151, C replaced by G.
Protein change: p.Ser384Ter; replaces serine 384 with a stop codon.
Molecular consequence: nonsense.
Genome position (GRCh38, 1-based): chr22:32,091,633, C>G. VCF-style: chr22-32091633-C-G. GRCh37 (hg19) VCF-style: chr22-32487620-C-G.
Other names: c.770C>G, p.Ser257Ter (NM_001256314.2); short protein forms S384*, S257*.
Identifiers: ClinVar variation 3661475 (VCV003661475.2).